The following is an entry in ClinVar:

ClinVar aggregate classification (germline): Uncertain significance (1 of 4 stars; one submission).

Conditions:
Hereditary pancreatitis (PCTT). Also called: Hereditary chronic pancreatitis; PRSS1-Related Hereditary Pancreatitis. Identifiers: Orphanet 676, MedGen C0238339, MONDO:0008185, OMIM 167800.

Submission:

Ambry Genetics
Classification: Uncertain significance for Hereditary pancreatitis. Last evaluated: 2025-03-29. Review status: criteria provided, single submitter. Criteria: Ambry Variant Classification Scheme 2023. Collection method: clinical testing. Allele origin: germline.
Comment: The p.A90E variant (also known as c.269C>A), located in coding exon 3 of the PRSS1 gene, results from a C to A substitution at nucleotide position 269. The alanine at codon 90 is replaced by glutamic acid, an amino acid with dissimilar properties. This amino acid position is conserved. In addition, the in silico prediction for this alteration is inconclusive. Based on the available evidence, the clinical significance of this variant remains unclear.

NM_002769.5(PRSS1):c.269C>A (p.Ala90Glu)

Genes: PRSS1 (serine protease 1; plus strand), TRB (T cell receptor beta locus; plus strand). Cytogenetic location: 7q34.
Variant type: single nucleotide variant.
Coding change: c.269C>A on transcript NM_002769.5 (MANE Select); coding-DNA position 269, C replaced by A.
Protein change: p.Ala90Glu; replaces alanine 90 with glutamic acid.
Molecular consequence: missense variant. On other transcripts: non-coding transcript variant (4).
Genome position (GRCh38, 1-based): chr7:142,751,842, C>A. VCF-style: chr7-142751842-C-A. GRCh37 (hg19) VCF-style: chr7-142459693-C-A.
Other names: short protein forms A90E.
Identifiers: ClinVar variation 3939042 (VCV003939042.1).
Genomic context (GRCh38, chr7:142,751,842, plus strand): 5'-AGGTGAGACTGGGAGAGCACAACATCGAAGTCCTGGAGGGGAATGAGCAGTTCATCAATG[C>A]AGCCAAGATCATCCGCCACCCCCAATACGACAGGAAGACTCTGAACAATGACATCATGTT-3'
Protein context (NP_002760.1, residues 80-100): VLEGNEQFIN[Ala90Glu]AKIIRHPQYD